The following is an entry in ClinVar:

ClinVar aggregate classification (germline): Uncertain significance (1 of 4 stars; one submission).

Submission:

Labcorp Genetics (formerly Invitae), Labcorp
Classification: Uncertain significance. Last evaluated: 2025-04-23. Review status: criteria provided, single submitter. Criteria: Invitae Variant Classification Sherloc (09022015). Collection method: clinical testing. Allele origin: germline.
Comment: This sequence change replaces histidine, which is basic and polar, with arginine, which is basic and polar, at codon 1167 of the SETBP1 protein (p.His1167Arg). This variant is not present in population databases (gnomAD no frequency). This variant has not been reported in the literature in individuals affected with SETBP1-related conditions. Invitae Evidence Modeling of protein sequence and biophysical properties (such as structural, functional, and spatial information, amino acid conservation, physicochemical variation, residue mobility, and thermodynamic stability) indicates that this missense variant is not expected to disrupt SETBP1 protein function with a negative predictive value of 80%. In summary, the available evidence is currently insufficient to determine the role of this variant in disease. Therefore, it has been classified as a Variant of Uncertain Significance.

NM_015559.3(SETBP1):c.3500A>G (p.His1167Arg)

Gene: SETBP1 (SET binding protein 1; plus strand). Cytogenetic location: 18q12.3.
Variant type: single nucleotide variant.
Coding change: c.3500A>G on transcript NM_015559.3 (MANE Select); coding-DNA position 3500, A replaced by G.
Protein change: p.His1167Arg; replaces histidine 1167 with arginine.
Molecular consequence: missense variant.
Genome position (GRCh38, 1-based): chr18:44,952,840, A>G. VCF-style: chr18-44952840-A-G. GRCh37 (hg19) VCF-style: chr18-42532805-A-G.
Other names: c.3500A>G, p.His1167Arg (NM_001379141.1, NM_001379142.1, NM_001410862.1); short protein forms H1167R.
Identifiers: ClinVar variation 4744215 (VCV004744215.1).